The following is an entry in ClinVar:

NM_015425.6(POLR1A):c.1162T>A (p.Tyr388Asn)

Gene: POLR1A (RNA polymerase I subunit A; minus strand). Cytogenetic location: 2p11.2.
Variant type: single nucleotide variant.
Coding change: c.1162T>A on transcript NM_015425.6 (MANE Select); coding-DNA position 1162, T replaced by A.
Protein change: p.Tyr388Asn; replaces tyrosine 388 with asparagine.
Molecular consequence: missense variant.
Genome position (GRCh38, 1-based): chr2:86,078,209, A>T on the plus strand (T>A on the coding strand, the complement: POLR1A is on the minus strand). VCF-style: chr2-86078209-A-T. GRCh37 (hg19) VCF-style: chr2-86305332-A-T.
Other names: short protein forms Y388N.
Identifiers: ClinVar variation 4977932 (VCV004977932.1).

ClinVar aggregate classification (germline): Uncertain significance (1 of 4 stars; one submission).

Conditions:
POLR1A-related disorder. Also called: POLR1A-related condition.

gnomAD v4.1: 3 of 1,613,086 alleles (0.00019%); highest among the groups gnomAD compares: East Asian, 0.0067%; no homozygotes.

Submission:

PreventionGenetics, part of Exact Sciences
Classification: Uncertain significance for POLR1A-related condition. Last evaluated: 2026-02-10. Review status: criteria provided, single submitter. Criteria: ACMG Guidelines, 2015. Collection method: clinical testing. Allele origin: germline.
Comment: The POLR1A c.1162T>A variant is predicted to result in the amino acid substitution p.Tyr388Asn. To our knowledge, this variant has not been reported in the literature. This variant is reported in 0.0056% of alleles in individuals of East Asian descent in gnomAD. At this time, the clinical significance of this variant is uncertain due to the absence of conclusive functional and genetic evidence.